The following is an entry in ClinVar:

ClinVar aggregate classification (germline): Likely benign. Review status: criteria provided, single submitter (1 of 4 stars). 2 submissions from 2 submitters: Likely benign (1). 1 of the submissions does not count toward it. Last evaluated 2025-10-02.

Conditions:
Cohen syndrome (COH1). Also called: PEPPER SYNDROME; Cutis verticis gyrata, retinitis pigmentosa, and sensorineural deafness. Identifiers: Orphanet 193, MedGen C0265223, MONDO:0008999, OMIM 216550.
VPS13B-related disorder. Also called: VPS13B-related condition.

Allele frequency attached by ClinVar (database versions not stated): ExAC 0.00002; gnomAD exomes 0.00002; TOPMed 0.00008; gnomAD 0.00009; 1000 Genomes Project 30x 0.00016; 1000 Genomes Project 0.00020.
gnomAD v4.1: 38 of 1,612,926 alleles (0.0024%); highest among the groups gnomAD compares: African/African-American, 0.019%; no homozygotes.

Submissions (2):

Labcorp Genetics (formerly Invitae), Labcorp
Classification: Likely benign for Cohen syndrome. Last evaluated: 2025-10-02. Review status: criteria provided, single submitter. Criteria: Invitae Variant Classification Sherloc (09022015). Collection method: clinical testing. Allele origin: germline.

PreventionGenetics, part of Exact Sciences
Classification: Likely benign for VPS13B-related condition. Last evaluated: 2024-03-13. Review status: no assertion criteria provided. Collection method: clinical testing. Allele origin: germline. Not counted in ClinVar's aggregate classification.
Comment: This variant is classified as likely benign based on ACMG/AMP sequence variant interpretation guidelines (Richards et al. 2015 PMID: 25741868, with internal and published modifications).

NM_152564.5(VPS13B):c.4791C>T (p.Ile1597=)

Gene: VPS13B (vacuolar protein sorting 13 homolog B; plus strand). Cytogenetic location: 8q22.2.
Variant type: single nucleotide variant.
Coding change: c.4791C>T on transcript NM_152564.5 (MANE Select); coding-DNA position 4791, C replaced by T.
Protein change: p.Ile1597=; no amino-acid change (isoleucine 1597 retained).
Molecular consequence: synonymous variant.
Genome position (GRCh38, 1-based): chr8:99,556,495, C>T. VCF-style: chr8-99556495-C-T. GRCh37 (hg19) VCF-style: chr8-100568723-C-T.
Other names: c.4866C>T, p.Ile1622= (NM_017890.5); c.4791C>T (NM_152564.4).
Identifiers: ClinVar variation 1566381 (VCV001566381.9), dbSNP rs543837370, ClinGen allele CA4823664.